The following is an entry in ClinVar:

ClinVar aggregate classification (germline): Conflicting classifications of pathogenicity. Review status: criteria provided, conflicting classifications (1 of 4 stars). 4 submissions from 4 submitters: Uncertain significance (3); Likely benign (1). Last evaluated 2025-02-24.

Conditions:
Hereditary cancer-predisposing syndrome. Also called: Hereditary Cancer Syndrome; Neoplastic Syndromes, Hereditary; Hereditary neoplastic syndrome; Tumor predisposition. Identifiers: Orphanet 140162, MedGen C0027672, MeSH D009386, MONDO:0015356.
Hereditary breast ovarian cancer syndrome. Also called: BRCA1- and BRCA2-Associated Hereditary Breast and Ovarian Cancer; Hereditary breast and ovarian cancer syndrome; Hereditary breast and/or ovarian cancer syndrome; Breast and ovarian cancer; Hereditary breast and ovarian cancer; Hereditary breast and ovarian cancer syndrome (HBOC). Identifiers: Orphanet 145, MedGen C0677776, MeSH D061325, MONDO:0003582. Disease mechanism: loss of function.

Submissions (4):

Color Diagnostics, LLC DBA Color Health
Classification: Uncertain significance for Hereditary cancer-predisposing syndrome. Last evaluated: 2025-02-24. Review status: criteria provided, single submitter. Criteria: ACMG Guidelines, 2015. Collection method: clinical testing. Allele origin: germline.
Comment: This missense variant replaces methionine with leucine at codon 1008 of the BRCA1 protein. Computational prediction suggests that this variant may not impact protein structure and function. To our knowledge, functional studies have not been reported for this variant. A multifactorial analysis has reported a likelihood ratio for pathogenicity based on personal and family history of 18.377 from log(LR)=1.264284611 for one carrier (PMID: 31853058). This variant has not been identified in the general population by the Genome Aggregation Database (gnomAD). The available evidence is insufficient to determine the role of this variant in disease conclusively. Therefore, this variant is classified as a Variant of Uncertain Significance.

Ambry Genetics
Classification: Uncertain significance for Hereditary cancer-predisposing syndrome. Last evaluated: 2024-03-30. Review status: criteria provided, single submitter. Criteria: Ambry Variant Classification Scheme 2023. Collection method: clinical testing. Allele origin: germline.
Comment: The p.M1008L variant (also known as c.3022A>C), located in coding exon 9 of the BRCA1 gene, results from an A to C substitution at nucleotide position 3022. The methionine at codon 1008 is replaced by leucine, an amino acid with highly similar properties. This amino acid position is poorly conserved in available vertebrate species. In addition, this alteration is predicted to be tolerated by in silico analysis. Since supporting evidence is conflicting at this time, the clinical significance of this alteration remains unclear.

University of Washington Department of Laboratory Medicine, University of Washington
Classification: Likely benign for Hereditary cancer-predisposing syndrome. Last evaluated: 2023-03-23. Review status: criteria provided, single submitter. Criteria: Dines et al. (Genet Med. 2020). Collection method: curation. Allele origin: germline.
Comment: Missense variant in a coldspot region where missense variants are very unlikely to be pathogenic (PMID:31911673).

BRCA1 coldspot (exon 11 using historical exon numbering). Reclassification based on statistical prior probability

Labcorp Genetics (formerly Invitae), Labcorp
Classification: Uncertain significance for Hereditary breast ovarian cancer syndrome. Last evaluated: 2021-11-07. Review status: criteria provided, single submitter. Criteria: Invitae Variant Classification Sherloc (09022015). Collection method: clinical testing. Allele origin: germline.
Comment: This sequence change replaces methionine, which is neutral and non-polar, with leucine, which is neutral and non-polar, at codon 1008 of the BRCA1 protein (p.Met1008Leu). This variant is not present in population databases (gnomAD no frequency). This variant has not been reported in the literature in individuals affected with BRCA1-related conditions. ClinVar contains an entry for this variant (Variation ID: 142775). Advanced modeling of protein sequence and biophysical properties (such as structural, functional, and spatial information, amino acid conservation, physicochemical variation, residue mobility, and thermodynamic stability) performed at Invitae indicates that this missense variant is not expected to disrupt BRCA1 protein function. In summary, the available evidence is currently insufficient to determine the role of this variant in disease. Therefore, it has been classified as a Variant of Uncertain Significance.

Literature cited by the submitters: PubMed 31853058 (cited by Color Diagnostics, LLC DBA Color Health).

NM_007294.4(BRCA1):c.3022A>C (p.Met1008Leu)

Gene: BRCA1 (BRCA1 DNA repair associated; minus strand). Cytogenetic location: 17q21.31.
Variant type: single nucleotide variant.
Coding change: c.3022A>C on transcript NM_007294.4 (MANE Select); coding-DNA position 3022, A replaced by C.
Protein change: p.Met1008Leu; replaces methionine 1008 with leucine.
Molecular consequence: missense variant. On other transcripts: intron variant (137).
Genome position (GRCh38, 1-based): chr17:43,092,509, T>G on the plus strand (A>C on the coding strand, the complement: BRCA1 is on the minus strand). VCF-style: chr17-43092509-T-G. GRCh37 (hg19) VCF-style: chr17-41244526-T-G.
Other names: c.3013A>C, p.Met1005Leu (NM_001407646.1, NM_001407647.1); c.2899A>C, p.Met967Leu (NM_001407648.1, NM_001407664.1, NM_001407665.1 and 19 more transcripts); c.2896A>C, p.Met966Leu (NM_001407649.1, NM_001407670.1, NM_001407671.1 and 11 more transcripts); c.3022A>C, p.Met1008Leu (NM_001407652.1, NM_001407684.1, NM_001407854.1 and 30 more transcripts); c.2944A>C, p.Met982Leu (NM_001407653.1, NM_001407654.1, NM_001407655.1 and 4 more transcripts); c.2941A>C, p.Met981Leu (NM_001407659.1, NM_001407660.1, NM_001407661.1 and 1 more transcripts); c.2881A>C, p.Met961Leu (NM_001407692.1, NM_001407694.1, NM_001407695.1 and 29 more transcripts); c.2878A>C, p.Met960Leu (NM_001407740.1, NM_001407741.1, NM_001407742.1 and 20 more transcripts); and 41 more; short protein forms M1008L, M961L, M712L, M881L, M941L, M960L, M880L, M897L.
Identifiers: ClinVar variation 142775 (VCV000142775.21), dbSNP rs56321129, ClinGen allele CA001980.